The following is an entry in ClinVar:

Conditions:
Breast-ovarian cancer, familial, susceptibility to, 1 (BROVCA1). Also called: BRCA1 Hereditary Breast and Ovarian Cancer; OVARIAN CANCER, SUSCEPTIBILITY TO. Identifiers: Orphanet 145, MedGen C2676676, MONDO:0011450, OMIM 604370. Disease mechanism: loss of function.

Submission:

Brotman Baty Institute, University of Washington
No classification provided (evidence only). Condition: Breast-ovarian cancer, familial 1. Review status: no classification provided. Collection method: in vitro. Allele origin: not applicable. Functional consequence: function_uncertain_variant.
ClinVar note: "not provided" was previously submitted as the classification for the variant. However, the classification appeared to be based only on an observation of functional data so it was converted to no classification on 2025-07-30.

NM_007294.4(BRCA1):c.5467+13C>G

Gene: BRCA1 (BRCA1 DNA repair associated; minus strand). Cytogenetic location: 17q21.31.
Variant type: single nucleotide variant.
Coding change: c.5467+13C>G on transcript NM_007294.4 (MANE Select); 13 bases into the intron after coding-DNA position 5467, C replaced by G.
Molecular consequence: intron variant.
Genome position (GRCh38, 1-based): chr17:43,047,630, G>C on the plus strand (C>G on the coding strand, the complement: BRCA1 is on the minus strand). VCF-style: chr17-43047630-G-C. GRCh37 (hg19) VCF-style: chr17-41199647-G-C.
Other names: c.2014+13C>G (NM_001408458.1, NM_001408461.1, NM_001408464.1 and 7 more transcripts); c.4576+13C>G (NM_001407967.1); c.5086+13C>G (NM_001407959.1); c.5200+13C>G (NM_001407931.1, NM_001407932.1, NM_001407928.1 and 4 more transcripts); c.5323+13C>G (NM_001407747.1, NM_001407745.1, NM_001407737.1 and 18 more transcripts); c.5083+13C>G (NM_001407962.1, NM_001407960.1); c.1654+13C>G (NM_001408512.1); c.1777+13C>G (NM_001408510.1); and 83 more.
Identifiers: ClinVar variation 868938 (VCV000868938.3), dbSNP rs2050972801, ClinGen allele CA916080751.